The following is an entry in ClinVar:

NM_001206744.2(TPO):c.2311G>A (p.Gly771Arg)

Genes: LALTOP (lung cancer associated lncRNA targeting TOP2A; minus strand), TPO (thyroid peroxidase; plus strand). Cytogenetic location: 2p25.3.
Variant type: single nucleotide variant.
Coding change: c.2311G>A on transcript NM_001206744.2 (MANE Select); coding-DNA position 2311, G replaced by A.
Protein change: p.Gly771Arg; replaces glycine 771 with arginine.
Molecular consequence: missense variant.
Genome position (GRCh38, 1-based): chr2:1,496,690, G>A. VCF-style: chr2-1496690-G-A. GRCh37 (hg19) VCF-style: chr2-1500462-G-A.
Other names: c.2311G>A, p.Gly771Arg (NM_000547.6, NM_175721.3); c.2140G>A, p.Gly714Arg (NM_001206745.2, NM_175719.4); c.1792G>A, p.Gly598Arg (NM_175722.3); short protein forms G598R, G714R, G771R.
Identifiers: ClinVar variation 2628496 (VCV002628496.4), dbSNP rs138931129, ClinGen allele CA1512038.
Genomic context (GRCh38, chr2:1,496,690, plus strand): 5'-GGGGACTTTGTGCACTGTGAGGAGTCTGGGAGGCGCGTGCTGGTGTATTCCTGCCGGCAC[G>A]GGTATGAGCTCCAAGGCCGGGAGCAGCTCACTTGCACCCAGGAAGGATGGGATTTCCAGC-3'
Protein context (NP_001193673.1, residues 761-781): RRVLVYSCRH[Gly771Arg]YELQGREQLT

ClinVar aggregate classification (germline): Likely pathogenic. Review status: criteria provided, single submitter (1 of 4 stars). 2 submissions from 2 submitters: Likely pathogenic (1). 1 of the submissions does not count toward it. Last evaluated 2024-10-28.

Conditions:
TPO-related disorder. Also called: TPO-related condition.
Deficiency of iodide peroxidase (TDH2A). Also called: Thyroid dyshormonogenesis 2A; HYPOTHYROIDISM, CONGENITAL, DUE TO DYSHORMONOGENESIS, 2A; IODIDE PEROXIDASE DEFICIENCY; THYROID HORMONOGENESIS, GENETIC DEFECT IN, 2A; THYROID PEROXIDASE DEFICIENCY. Identifiers: Orphanet 95716, MedGen C1291299, MONDO:0010133, OMIM 274500.

Allele frequency attached by ClinVar (database versions not stated): gnomAD exomes 0.00001; ExAC 0.00002; gnomAD 0.00002; TOPMed 0.00002; ESP Exome Variant Server 0.00008.
gnomAD v4.1: 9 of 1,613,960 alleles (0.00056%); highest among the groups gnomAD compares: African/African-American, 0.0053%; no homozygotes.

Submissions (2):

Women's Health and Genetics/Laboratory Corporation of America, LabCorp
Classification: Likely pathogenic for Deficiency of iodide peroxidase. Last evaluated: 2024-10-28. Review status: criteria provided, single submitter. Criteria: LabCorp Variant Classification Summary - May 2015. Collection method: clinical testing. Allele origin: germline.
Comment: Variant summary: TPO c.2311G>A (p.Gly771Arg) results in a non-conservative amino acid change located in the Sushi/SCR/CCP domain (IPR000436) of the encoded protein sequence. Five of five in-silico tools predict a damaging effect of the variant on protein function. The variant allele was found at a frequency of 1.2e-05 in 251482 control chromosomes. c.2311G>A has been reported in the literature in the compound heterozygous state in at least 1 individual affected with clinical features of TPO-related conditions (example, Umeki_2002). Further, another laboratory has cited internal clinical evidence in ClinVar, though the 2nd variant(s) were not identified in those affected individuals. At least one publication reports experimental evidence evaluating an impact on protein function. The most pronounced variant effect results in <10% of normal activity in vitro and improper protein localization (example, Umeki_2002, Narumi_2017). The following publications have been ascertained in the context of this evaluation (PMID: 28867693, 11916616). ClinVar contains an entry for this variant (Variation ID: 2628496). Based on the evidence outlined above, the variant was classified as likely pathogenic.

PreventionGenetics, part of Exact Sciences
Classification: Likely pathogenic for TPO-related condition. Last evaluated: 2024-03-01. Review status: no assertion criteria provided. Collection method: clinical testing. Allele origin: germline. Not counted in ClinVar's aggregate classification.
Comment: The TPO c.2311G>A variant is predicted to result in the amino acid substitution p.Gly771Arg. Furthermore, functional studies showed reduced protein activity and mislocalization (Umeki et al 2002. PubMed ID: 11916616; Park. 2021. PubMed ID: 34200080; Supplementary Table 1, Narumi et al. 2017. PubMed ID: 28867693). This variant is reported in 0.0062% of alleles in individuals of African descent in gnomAD. At PreventionGenetics, we have observed this variant in the compound heterozygous state in two related individuals with features consistent with thyroid dyshormonogenesis 2A. Taken together, we interpret this variant as likely pathogenic.

Literature cited by the submitters: PubMed 11916616 (cited by Women's Health and Genetics/Laboratory Corporation of America, LabCorp); PubMed 28867693 (cited by Women's Health and Genetics/Laboratory Corporation of America, LabCorp).